The following is an entry in ClinVar:

ClinVar aggregate classification (germline): Uncertain significance. Review status: criteria provided, multiple submitters, no conflicts (2 of 4 stars). 2 submissions from 2 submitters: Uncertain significance (2). Last evaluated 2026-07-07.

Conditions:
Gorlin syndrome. Also called: Nevoid Basal Cell Carcinoma Syndrome; Basal cell nevus syndrome. Identifiers: Orphanet 377, MedGen C0004779, MONDO:0007187.
Hereditary cancer-predisposing syndrome. Also called: Hereditary Cancer Syndrome; Hereditary neoplastic syndrome; Neoplastic Syndromes, Hereditary; Tumor predisposition. Identifiers: Orphanet 140162, MedGen C0027672, MeSH D009386, MONDO:0015356.

Submissions (2):

Ambry Genetics
Classification: Uncertain significance for Hereditary cancer-predisposing syndrome. Last evaluated: 2026-07-07. Review status: criteria provided, single submitter. Criteria: Ambry Variant Classification Scheme 2023. Collection method: clinical testing. Allele origin: germline.
Comment: The p.N1046K variant (also known as c.3138C>A), located in coding exon 20 of the PTCH1 gene, results from a C to A substitution at nucleotide position 3138. The asparagine at codon 1046 is replaced by lysine, an amino acid with similar properties. This amino acid position is conserved. In addition, this alteration is predicted to be tolerated by in silico analysis. Based on the available evidence, the clinical significance of this variant remains unclear.

Labcorp Genetics (formerly Invitae), Labcorp
Classification: Uncertain significance for Gorlin syndrome. Last evaluated: 2023-01-29. Review status: criteria provided, single submitter. Criteria: Invitae Variant Classification Sherloc (09022015). Collection method: clinical testing. Allele origin: germline.
Comment: Advanced modeling of protein sequence and biophysical properties (such as structural, functional, and spatial information, amino acid conservation, physicochemical variation, residue mobility, and thermodynamic stability) performed at Invitae indicates that this missense variant is not expected to disrupt PTCH1 protein function. In summary, the available evidence is currently insufficient to determine the role of this variant in disease. Therefore, it has been classified as a Variant of Uncertain Significance. This variant has not been reported in the literature in individuals affected with PTCH1-related conditions. This variant is not present in population databases (gnomAD no frequency). This sequence change replaces asparagine, which is neutral and polar, with lysine, which is basic and polar, at codon 1112 of the PTCH1 protein (p.Asn1112Lys).

NM_000264.5(PTCH1):c.3336C>A (p.Asn1112Lys)

Gene: PTCH1 (patched 1; minus strand). Cytogenetic location: 9q22.32.
Variant type: single nucleotide variant.
Coding change: c.3336C>A on transcript NM_000264.5 (MANE Select); coding-DNA position 3336, C replaced by A.
Protein change: p.Asn1112Lys; replaces asparagine 1112 with lysine.
Molecular consequence: missense variant. On other transcripts: non-coding transcript variant (1).
Genome position (GRCh38, 1-based): chr9:95,453,591, G>T on the plus strand (C>A on the coding strand, the complement: PTCH1 is on the minus strand). VCF-style: chr9-95453591-G-T. GRCh37 (hg19) VCF-style: chr9-98215873-G-T.
Other names: c.3138C>A, p.Asn1046Lys (NM_001083602.3); c.3333C>A, p.Asn1111Lys (NM_001083603.3); c.2883C>A, p.Asn961Lys (NM_001083604.3, NM_001083605.3, NM_001083606.3 and 1 more transcripts); c.3180C>A, p.Asn1060Lys (NM_001354918.2); short protein forms N1060K, N1046K, N1112K, N1111K, N961K.
Identifiers: ClinVar variation 2888353 (VCV002888353.4), dbSNP rs2538041349, ClinGen allele CA374111873.